The following is an entry in ClinVar:

NM_001023.4(RPS20):c.4-15_4-11delinsCGTAC

Gene: RPS20 (ribosomal protein S20; minus strand). Cytogenetic location: 8q12.1.
Variant type: Indel.
Coding change: c.4-15_4-11delinsCGTAC on transcript NM_001023.4 (MANE Select); 15 bases into the intron before coding-DNA position 4 through 11 bases into the intron before coding-DNA position 4, TGTAT replaced by CGTAC.
Molecular consequence: intron variant.
Genome position (GRCh38, 1-based): chr8:56,074,170-56,074,174, ATACA replaced by GTACG on the plus strand (TGTAT replaced by CGTAC on the coding strand, the reverse complement: RPS20 is on the minus strand). VCF-style: chr8-56074170-ATACA-GTACG. GRCh37 (hg19) VCF-style: chr8-56986729-ATACA-GTACG.
Other names: c.4-15_4-11delinsCGTAC (NM_001146227.3).
Identifiers: ClinVar variation 5042373 (VCV005042373.1).

ClinVar aggregate classification (germline): Likely benign (1 of 4 stars; one submission).

Conditions:
Familial colorectal cancer type X. Identifiers: Orphanet 440437, MedGen C3896578, MONDO:0018604.

Submission:

Myriad Genetics, Inc.
Classification: Likely benign for Familial colorectal cancer type X. Last evaluated: 2026-07-31. Review status: criteria provided, single submitter. Criteria: Myriad Autosomal Dominant, Autosomal Recessive and X-Linked Classification Criteria (2023). Collection method: clinical testing. Allele origin: unknown.
Comment: This variant is considered likely benign. This variant is intronic and is not expected to impact mRNA splicing.